The following is an entry in ClinVar:

ClinVar aggregate classification (germline): Pathogenic/Likely pathogenic. Review status: criteria provided, multiple submitters, no conflicts (2 of 4 stars). 2 submissions from 2 submitters: Pathogenic (1); Likely pathogenic (1). Last evaluated 2025-06-03.

Conditions:
USH2A-related disorder. Also called: USH2A-related disorders; USH2A-related condition. Identifiers: MedGen CN239332.

Allele frequency attached by ClinVar (database versions not stated): gnomAD exomes below 0.00001.

Submissions (2):

Labcorp Genetics (formerly Invitae), Labcorp
Classification: Pathogenic. Last evaluated: 2025-06-03. Review status: criteria provided, single submitter. Criteria: Invitae Variant Classification Sherloc (09022015). Collection method: clinical testing. Allele origin: germline.
Comment: This sequence change creates a premature translational stop signal (p.Ile3118Thrfs*11) in the USH2A gene. It is expected to result in an absent or disrupted protein product. Loss-of-function variants in USH2A are known to be pathogenic (PMID: 10729113, 10909849, 20507924, 25649381). This variant is not present in population databases (gnomAD no frequency). This variant has not been reported in the literature in individuals affected with USH2A-related conditions. ClinVar contains an entry for this variant (Variation ID: 2754876). For these reasons, this variant has been classified as Pathogenic.

Blueprint Genetics
Classification: Likely pathogenic for USH2A-related disorders. Last evaluated: 2020-12-30. Review status: criteria provided, single submitter. Criteria: ACMG Guidelines, 2015. Collection method: clinical testing. Allele origin: germline. Affected: yes. Observed: 1 variant allele.

Literature cited by the submitters: PubMed 10729113 (cited by Labcorp Genetics (formerly Invitae), Labcorp); PubMed 10909849 (cited by Labcorp Genetics (formerly Invitae), Labcorp); PubMed 20507924 (cited by Labcorp Genetics (formerly Invitae), Labcorp); PubMed 25649381 (cited by Labcorp Genetics (formerly Invitae), Labcorp).

NM_206933.4(USH2A):c.9353_9354del (p.Ile3118fs)

Gene: USH2A (usherin; minus strand). Cytogenetic location: 1q41.
Variant type: Deletion.
Coding change: c.9353_9354del on transcript NM_206933.4 (MANE Select); coding-DNA positions 9353 to 9354, 2 bases deleted (TT; older notation c.9353_9354delTT).
Protein change: p.Ile3118fs; shifts the reading frame from isoleucine 3118.
Molecular consequence: frameshift variant.
Genome position (GRCh38, 1-based): chr1:215,838,008-215,838,009, AA deleted on the plus strand (TT on the coding strand, the reverse complement: USH2A is on the minus strand). VCF-style (leftmost placement, unchanged base first): chr1-215838007-GAA-G. GRCh37 (hg19) VCF-style: chr1-216011349-GAA-G.
Other names: short protein forms I3118fs.
Identifiers: ClinVar variation 2754876 (VCV002754876.4), dbSNP rs2464585937, ClinGen allele CA2650504636.